The following is an entry in ClinVar:

NM_004104.5(FASN):c.932C>T (p.Ala311Val)

Gene: FASN (fatty acid synthase; minus strand). Cytogenetic location: 17q25.3.
Variant type: single nucleotide variant.
Coding change: c.932C>T on transcript NM_004104.5 (MANE Select); coding-DNA position 932, C replaced by T.
Protein change: p.Ala311Val; replaces alanine 311 with valine.
Molecular consequence: missense variant.
Genome position (GRCh38, 1-based): chr17:82,092,552, G>A on the plus strand (C>T on the coding strand, the complement: FASN is on the minus strand). VCF-style: chr17-82092552-G-A. GRCh37 (hg19) VCF-style: chr17-80050428-G-A.
Other names: short protein forms A311V.
Identifiers: ClinVar variation 2744888 (VCV002744888.3), dbSNP rs2509844651, ClinGen allele CA401562055.

ClinVar aggregate classification (germline): Uncertain significance (1 of 4 stars; one submission).

Conditions:
Epileptic encephalopathy. Identifiers: MedGen C0543888, HP:0200134.

Submission:

Labcorp Genetics (formerly Invitae), Labcorp
Classification: Uncertain significance for Epileptic encephalopathy. Last evaluated: 2023-07-19. Review status: criteria provided, single submitter. Criteria: Invitae Variant Classification Sherloc (09022015). Collection method: clinical testing. Allele origin: germline.
Comment: An algorithm developed to predict the effect of missense changes on protein structure and function (PolyPhen-2) suggests that this variant is likely to be tolerated. This variant has not been reported in the literature in individuals affected with FASN-related conditions. This variant is not present in population databases (gnomAD no frequency). This sequence change replaces alanine, which is neutral and non-polar, with valine, which is neutral and non-polar, at codon 311 of the FASN protein (p.Ala311Val). In summary, the available evidence is currently insufficient to determine the role of this variant in disease. Therefore, it has been classified as a Variant of Uncertain Significance.